The following is an entry in ClinVar:

ClinVar aggregate classification (germline): Uncertain significance (1 of 4 stars; one submission).

Conditions:
Inborn genetic diseases. Identifiers: MedGen C0950123, MeSH D030342.

gnomAD v4.1: 3 of 1,606,362 alleles (0.00019%); highest among the groups gnomAD compares: Non-Finnish European, 0.00026%; no homozygotes.

Submission:

Ambry Genetics
Classification: Uncertain significance for Inborn genetic diseases. Last evaluated: 2025-05-18. Review status: criteria provided, single submitter. Criteria: Ambry Variant Classification Scheme 2023. Collection method: clinical testing. Allele origin: germline.
Comment: The p.K627E variant (also known as c.1879A>G), located in coding exon 13 of the ERCC6L2 gene, results from an A to G substitution at nucleotide position 1879. The lysine at codon 627 is replaced by glutamic acid, an amino acid with similar properties. This amino acid position is conserved. In addition, the in silico prediction for this alteration is inconclusive. Based on the available evidence, the clinical significance of this variant remains unclear.

NM_020207.7(ERCC6L2):c.1879A>G (p.Lys627Glu)

Gene: ERCC6L2 (ERCC excision repair 6 like 2; plus strand). Cytogenetic location: 9q22.32.
Variant type: single nucleotide variant.
Coding change: c.1879A>G on transcript NM_020207.7 (MANE Select); coding-DNA position 1879, A replaced by G.
Protein change: p.Lys627Glu; replaces lysine 627 with glutamic acid.
Molecular consequence: missense variant. On other transcripts: non-coding transcript variant (1).
Genome position (GRCh38, 1-based): chr9:95,955,945, A>G. VCF-style: chr9-95955945-A-G. GRCh37 (hg19) VCF-style: chr9-98718227-A-G.
Other names: c.1879A>G, p.Lys627Glu (NM_001010895.4, NM_001375291.1, NM_001375292.1 and 2 more transcripts); short protein forms K627E.
Identifiers: ClinVar variation 4019362 (VCV004019362.1).